The following is an entry in ClinVar:

NM_001303052.2(MYT1L):c.700G>C (p.Glu234Gln)

Gene: MYT1L (myelin transcription factor 1 like; minus strand). Cytogenetic location: 2p25.3.
Variant type: single nucleotide variant.
Coding change: c.700G>C on transcript NM_001303052.2 (MANE Select); coding-DNA position 700, G replaced by C.
Protein change: p.Glu234Gln; replaces glutamic acid 234 with glutamine.
Molecular consequence: missense variant.
Genome position (GRCh38, 1-based): chr2:1,923,069, C>G on the plus strand (G>C on the coding strand, the complement: MYT1L is on the minus strand). VCF-style: chr2-1923069-C-G. GRCh37 (hg19) VCF-style: chr2-1926841-C-G.
Other names: c.700G>C, p.Glu234Gln (NM_001329844.2, NM_001329845.1, NM_001329846.3 and 6 more transcripts); short protein forms E234Q.
Identifiers: ClinVar variation 4056073 (VCV004056073.1).

ClinVar aggregate classification (germline): Uncertain significance (1 of 4 stars; one submission).

Submission:

GeneDx
Classification: Uncertain significance. Last evaluated: 2025-01-07. Review status: criteria provided, single submitter. Criteria: GeneDx Variant Classification Process June 2021. Collection method: clinical testing. Allele origin: germline. Affected: yes.
Comment: Not observed at significant frequency in large population cohorts (gnomAD); In silico analysis indicates that this missense variant does not alter protein structure/function; Has not been previously published as pathogenic or benign to our knowledge